The following is an entry in ClinVar:

ClinVar aggregate classification (germline): Benign (1 of 4 stars; one submission).

Allele frequency attached by ClinVar (database versions not stated): 1000 Genomes Project 0.13918; 1000 Genomes Project 30x 0.14038; TOPMed 0.18736; gnomAD 0.19145 and 0.19875.
gnomAD v4.1: 29,190 of 152,096 alleles (19%); highest among the groups gnomAD compares: African/African-American, 24%; 3,033 homozygotes.

Submission:

GeneDx
Classification: Benign. Last evaluated: 2018-06-19. Review status: criteria provided, single submitter. Criteria: GeneDx Variant Classification (06012015). Collection method: clinical testing. Allele origin: germline. Affected: yes.
Comment: This variant is considered likely benign or benign based on one or more of the following criteria: it is a conservative change, it occurs at a poorly conserved position in the protein, it is predicted to be benign by multiple in silico algorithms, and/or has population frequency not consistent with disease.

NM_182961.4(SYNE1):c.20397-323A>G

Gene: SYNE1 (spectrin repeat containing nuclear envelope protein 1; minus strand). Cytogenetic location: 6q25.2.
Variant type: single nucleotide variant.
Coding change: c.20397-323A>G on transcript NM_182961.4 (MANE Select); 323 bases into the intron before coding-DNA position 20397, A replaced by G.
Molecular consequence: intron variant.
Genome position (GRCh38, 1-based): chr6:152,235,123, T>C on the plus strand (A>G on the coding strand, the complement: SYNE1 is on the minus strand). VCF-style: chr6-152235123-T-C. GRCh37 (hg19) VCF-style: chr6-152556258-T-C.
Other names: c.20184-323A>G (NM_033071.5).
Identifiers: ClinVar variation 683971 (VCV000683971.1), dbSNP rs12110523, ClinGen allele CA12213380.
Genomic context (GRCh38, chr6:152,235,123, plus strand): 5'-TTAGATGATGGTTACAAAAAGTCCTTTGAAATAAAGGCGGCTTAGACACAGACTATGTCA[T>C]TATGTAAAAATCAACCCTCCACCCCGCTGAATGCTTCCCATTGCCCTTGAGAAGCTTCTG-3'